The following is an entry in ClinVar:

ClinVar aggregate classification (germline): Likely benign (1 of 4 stars; one submission).

Allele frequency attached by ClinVar (database versions not stated): TOPMed 0.00077; gnomAD exomes 0.00092; gnomAD 0.00119; ExAC 0.00131; ESP Exome Variant Server 0.00138.
gnomAD v4.1: 1,524 of 1,613,740 alleles (0.094%); highest among the groups gnomAD compares: Non-Finnish European, 0.11%; 5 homozygotes.

Submission:

CeGaT Center for Human Genetics Tuebingen
Classification: Likely benign. Last evaluated: 2022-08-01. Review status: criteria provided, single submitter. Criteria: CeGaT Center For Human Genetics Tuebingen Variant Classification Criteria Version 2. Collection method: clinical testing. Allele origin: germline. Affected: yes. Observed: 1 variant allele.
Comment: AHRR: BP4, BP7

NM_001377236.1(AHRR):c.1020C>T (p.Asp340=)

Genes: AHRR (aryl hydrocarbon receptor repressor; plus strand), PDCD6-AHRR (PDCD6-AHRR readthrough (NMD candidate); plus strand). Cytogenetic location: 5p15.33.
Variant type: single nucleotide variant.
Coding change: c.1020C>T on transcript NM_001377236.1 (MANE Select); coding-DNA position 1020, C replaced by T.
Protein change: p.Asp340=; no amino-acid change (aspartic acid 340 retained).
Molecular consequence: synonymous variant. On other transcripts: non-coding transcript variant (2).
Genome position (GRCh38, 1-based): chr5:432,855, C>T. VCF-style: chr5-432855-C-T. GRCh37 (hg19) VCF-style: chr5-432970-C-T.
Other names: c.1020C>T, p.Asp340= (NM_001377239.1).
Identifiers: ClinVar variation 2655246 (VCV002655246.24), dbSNP rs201184789, ClinGen allele CA3174351.
Genomic context (GRCh38, chr5:432,855, plus strand): 5'-AACCCCAACAGGAAGGAGCAGCAGAGAGAGCGGCGTTTTGGTGCTCAGGGAACAGACTGA[C>T]GCTGGCCGATGGGCACAGGTTCCCGCCAGGGCCCCATGCCTGTGCCTCCGGGGTGGCCCT-3'
Protein context (NP_001364165.1, residues 330-350): SGVLVLREQT[Asp340=]AGRWAQVPAR